The following is an entry in ClinVar:

NM_139318.5(KCNH5):c.2652G>A (p.Pro884=)

Gene: KCNH5 (potassium voltage-gated channel subfamily H member 5; minus strand). Cytogenetic location: 14q23.2.
Variant type: single nucleotide variant.
Coding change: c.2652G>A on transcript NM_139318.5 (MANE Select); coding-DNA position 2652, G replaced by A.
Protein change: p.Pro884=; no amino-acid change (proline 884 retained).
Molecular consequence: synonymous variant. On other transcripts: 3 prime UTR variant (1).
Genome position (GRCh38, 1-based): chr14:62,707,823, C>T on the plus strand (G>A on the coding strand, the complement: KCNH5 is on the minus strand). VCF-style: chr14-62707823-C-T. GRCh37 (hg19) VCF-style: chr14-63174541-C-T.
Other names: c.*619G>A (NM_172375.3).
Identifiers: ClinVar variation 530602 (VCV000530602.18), dbSNP rs143147156, ClinGen allele CA7217212.

ClinVar aggregate classification (germline): Benign/Likely benign. Review status: criteria provided, multiple submitters, no conflicts (2 of 4 stars). 3 submissions from 3 submitters: Benign (1); Likely benign (2). Last evaluated 2026-01-04.

Conditions:
Early-infantile DEE. Also called: Early infantile epileptic encephalopathy; Ohtahara syndrome; Early infantile epileptic encephalopathy with suppression bursts. Identifiers: Orphanet 1934, MedGen C0393706, MONDO:0800491.

Allele frequency attached by ClinVar (database versions not stated): gnomAD 0.00061; ExAC 0.00063; gnomAD exomes 0.00073; TOPMed 0.00074; ESP Exome Variant Server 0.00115.
gnomAD v4.1: 1,601 of 1,614,104 alleles (0.099%); highest among the groups gnomAD compares: Non-Finnish European, 0.12%; no homozygotes.

Submissions (3):

Labcorp Genetics (formerly Invitae), Labcorp
Classification: Benign for Early-infantile DEE. Last evaluated: 2026-01-04. Review status: criteria provided, single submitter. Criteria: Invitae Variant Classification Sherloc (09022015). Collection method: clinical testing. Allele origin: germline.

CeGaT Center for Human Genetics Tuebingen
Classification: Likely benign. Last evaluated: 2025-12-01. Review status: criteria provided, single submitter. Criteria: CeGaT Center For Human Genetics Tuebingen Variant Classification Criteria Version 2. Collection method: clinical testing. Allele origin: germline. Affected: yes. Observed: 1 variant allele.
Comment: KCNH5: BP4, BP7, BS1

Blueprint Genetics
Classification: Likely benign. Last evaluated: 2024-10-03. Review status: criteria provided, single submitter. Criteria: ACMG Guidelines, 2015. Collection method: clinical testing. Allele origin: germline.